The following is an entry in ClinVar:

NM_015160.3(PMPCA):c.146C>T (p.Pro49Leu)

Gene: PMPCA (peptidase, mitochondrial processing subunit alpha; plus strand). Cytogenetic location: 9q34.3.
Variant type: single nucleotide variant.
Coding change: c.146C>T on transcript NM_015160.3 (MANE Select); coding-DNA position 146, C replaced by T.
Protein change: p.Pro49Leu; replaces proline 49 with leucine.
Molecular consequence: missense variant. On other transcripts: 5 prime UTR variant (2).
Genome position (GRCh38, 1-based): chr9:136,412,071, C>T. VCF-style: chr9-136412071-C-T. GRCh37 (hg19) VCF-style: chr9-139306523-C-T.
Other names: c.-153C>T (NM_001282944.2, NM_001282946.2); short protein forms P49L.
Identifiers: ClinVar variation 2075358 (VCV002075358.4), dbSNP rs374916460, ClinGen allele CA5335865.

ClinVar aggregate classification (germline): Uncertain significance (1 of 4 stars; one submission).

Allele frequency attached by ClinVar (database versions not stated): ExAC 0.00001; ESP Exome Variant Server 0.00008; TOPMed 0.00003; gnomAD 0.00004.
gnomAD v4.1: 77 of 1,613,096 alleles (0.0048%); highest among the groups gnomAD compares: Non-Finnish European, 0.0062%; no homozygotes.

Submission:

Labcorp Genetics (formerly Invitae), Labcorp
Classification: Uncertain significance. Last evaluated: 2024-02-17. Review status: criteria provided, single submitter. Criteria: Invitae Variant Classification Sherloc (09022015). Collection method: clinical testing. Allele origin: germline.
Comment: This sequence change replaces proline, which is neutral and non-polar, with leucine, which is neutral and non-polar, at codon 49 of the PMPCA protein (p.Pro49Leu). This variant is present in population databases (rs374916460, gnomAD 0.002%). This variant has not been reported in the literature in individuals affected with PMPCA-related conditions. ClinVar contains an entry for this variant (Variation ID: 2075358). An algorithm developed to predict the effect of missense changes on protein structure and function (PolyPhen-2) suggests that this variant is likely to be tolerated. In summary, the available evidence is currently insufficient to determine the role of this variant in disease. Therefore, it has been classified as a Variant of Uncertain Significance.